The following is an entry in ClinVar:

ClinVar aggregate classification (germline): Uncertain significance. Review status: criteria provided, multiple submitters, no conflicts (2 of 4 stars). 3 submissions from 3 submitters: Uncertain significance (3). Last evaluated 2023-05-19.

Conditions:
Inborn genetic diseases. Identifiers: MedGen C0950123, MeSH D030342.
Hereditary insensitivity to pain with anhidrosis (CIPA). Also called: INSENSITIVITY TO PAIN, CONGENITAL, WITH ANHIDROSIS; FAMILIAL DYSAUTONOMIA, TYPE II; NEUROPATHY, CONGENITAL SENSORY, WITH ANHIDROSIS; hereditary sensory and autonomic neuropathy type 4; NTRK1 Congenital Insensitivity to Pain with Anhidrosis; HSAN Type IV. Identifiers: Orphanet 642, MedGen C0020074, MONDO:0009746, OMIM 256800.

Allele frequency attached by ClinVar (database versions not stated): TOPMed 0.00001; ExAC 0.00002; gnomAD exomes 0.00003.

Submissions (3):

Ambry Genetics
Classification: Uncertain significance for Inborn genetic diseases. Last evaluated: 2023-05-19. Review status: criteria provided, single submitter. Criteria: Ambry Variant Classification Scheme 2023. Collection method: clinical testing. Allele origin: germline.
Comment: The c.2068_2094del27 (p.P690_F698del) alteration is located in exon 15 (coding exon 15) of the NTRK1 gene. This alteration consists of an in-frame deletion of 27 nucleotides between nucleotide positions c.2068 and c.2094, resulting in the deletion of <NA> residues. Based on insufficient or conflicting evidence, the clinical significance of this alteration remains unclear.

Genome-Nilou Lab
Classification: Uncertain significance for Hereditary insensitivity to pain with anhidrosis. Last evaluated: 2023-04-11. Review status: criteria provided, single submitter. Criteria: ACMG Guidelines, 2015. Collection method: clinical testing. Allele origin: germline. Affected: no.

Labcorp Genetics (formerly Invitae), Labcorp
Classification: Uncertain significance for Hereditary insensitivity to pain with anhidrosis. Last evaluated: 2021-08-30. Review status: criteria provided, single submitter. Criteria: Invitae Variant Classification Sherloc (09022015). Collection method: clinical testing. Allele origin: germline.
Comment: This variant, c.2068_2094del, results in the deletion of 9 amino acid(s) of the NTRK1 protein (p.Pro690_Phe698del), but otherwise preserves the integrity of the reading frame. The frequency data for this variant in the population databases is considered unreliable, as metrics indicate poor data quality at this position in the ExAC database. This variant has not been reported in the literature in individuals affected with NTRK1-related conditions. Experimental studies and prediction algorithms are not available or were not evaluated, and the functional significance of this variant is currently unknown. In summary, the available evidence is currently insufficient to determine the role of this variant in disease. Therefore, it has been classified as a Variant of Uncertain Significance.

NM_002529.4(NTRK1):c.2086_2112del (p.Pro696_Phe704del)

Gene: NTRK1 (neurotrophic receptor tyrosine kinase 1; plus strand). Cytogenetic location: 1q23.1.
Variant type: Deletion.
Coding change: c.2086_2112del on transcript NM_002529.4 (MANE Select); coding-DNA positions 2086 to 2112, 27 bases deleted (CCCGAGAGCATCCTGTACCGTAAGTTC).
Protein change: p.Pro696_Phe704del.
Molecular consequence: inframe deletion.
Genome position (GRCh38, 1-based): chr1:156,880,038-156,880,064, CCCGAGAGCATCCTGTACCGTAAGTTC deleted. VCF-style (leftmost placement, unchanged base first): chr1-156880037-GCCCGAGAGCATCCTGTACCGTAAGTTC-G. GRCh37 (hg19) VCF-style: chr1-156849829-GCCCGAGAGCATCCTGTACCGTAAGTTC-G.
Other names: c.2068_2094del, p.Pro690_Phe698del (NM_001012331.2); c.1978_2004del, p.Pro660_Phe668del (NM_001007792.1); c.2068_2094delCCCGAGAGCATCCTGTACCGTAAGTTC (NM_001012331.1).
Identifiers: ClinVar variation 526717 (VCV000526717.5), dbSNP rs756614200, ClinGen allele CA1169564.